The following is an entry in ClinVar:

ClinVar aggregate classification (germline): Uncertain significance (1 of 4 stars; one submission).

Allele frequency attached by ClinVar (database versions not stated): TOPMed below 0.00001; gnomAD 0.00001.
gnomAD v4.1: 5 of 1,613,902 alleles (0.00031%); highest among the groups gnomAD compares: Non-Finnish European, 0.000085%; no homozygotes.

Submission:

Labcorp Genetics (formerly Invitae), Labcorp
Classification: Uncertain significance. Last evaluated: 2021-11-15. Review status: criteria provided, single submitter. Criteria: Invitae Variant Classification Sherloc (09022015). Collection method: clinical testing. Allele origin: germline.
Comment: This variant is present in population databases (no rsID available, gnomAD 0.3%). This variant has not been reported in the literature in individuals affected with VPS33A-related conditions. In summary, the available evidence is currently insufficient to determine the role of this variant in disease. Therefore, it has been classified as a Variant of Uncertain Significance. Algorithms developed to predict the effect of missense changes on protein structure and function are either unavailable or do not agree on the potential impact of this missense change (SIFT: "Deleterious"; PolyPhen-2: "Benign"; Align-GVGD: "Class C15"). This sequence change replaces glycine, which is neutral and non-polar, with arginine, which is basic and polar, at codon 274 of the VPS33A protein (p.Gly274Arg).

NM_022916.6(VPS33A):c.820G>C (p.Gly274Arg)

Gene: VPS33A (VPS33A core subunit of CORVET and HOPS complexes; minus strand). Cytogenetic location: 12q24.31.
Variant type: single nucleotide variant.
Coding change: c.820G>C on transcript NM_022916.6 (MANE Select); coding-DNA position 820, G replaced by C.
Protein change: p.Gly274Arg; replaces glycine 274 with arginine.
Molecular consequence: missense variant. On other transcripts: intron variant (1).
Genome position (GRCh38, 1-based): chr12:122,244,718, C>G on the plus strand (G>C on the coding strand, the complement: VPS33A is on the minus strand). VCF-style: chr12-122244718-C-G. GRCh37 (hg19) VCF-style: chr12-122729265-C-G.
Other names: c.787G>C, p.Gly263Arg (NM_001351018.2); c.772G>C, p.Gly258Arg (NM_001351019.2); c.776-4773G>C (NM_001351020.2); short protein forms G274R, G263R, G258R.
Identifiers: ClinVar variation 1390850 (VCV001390850.6), dbSNP rs910352176, ClinGen allele CA244735414.